The following is an entry in ClinVar:

NM_004369.4(COL6A3):c.5839-103G>A

Gene: COL6A3 (collagen type VI alpha 3 chain; minus strand). Cytogenetic location: 2q37.3.
Variant type: single nucleotide variant.
Coding change: c.5839-103G>A on transcript NM_004369.4 (MANE Select); 103 bases into the intron before coding-DNA position 5839, G replaced by A.
Molecular consequence: intron variant.
Genome position (GRCh38, 1-based): chr2:237,364,531, C>T on the plus strand (G>A on the coding strand, the complement: COL6A3 is on the minus strand). VCF-style: chr2-237364531-C-T. GRCh37 (hg19) VCF-style: chr2-238273174-C-T.
Other names: c.4018-103G>A (NM_057166.5); c.5221-103G>A (NM_057167.4).
Identifiers: ClinVar variation 679529 (VCV000679529.1), dbSNP rs112012504, ClinGen allele CA67857902.

ClinVar aggregate classification (germline): Likely benign (1 of 4 stars; one submission).

Allele frequency attached by ClinVar (database versions not stated): gnomAD exomes 0.00070; 1000 Genomes Project 0.00619; gnomAD 0.00669 and 0.00718; 1000 Genomes Project 30x 0.00703; TOPMed 0.00713.
gnomAD v4.1: 1,583 of 920,058 alleles (0.17%); highest among the groups gnomAD compares: African/African-American, 2.2%; 14 homozygotes.

Submission:

GeneDx
Classification: Likely benign. Last evaluated: 2018-06-16. Review status: criteria provided, single submitter. Criteria: GeneDx Variant Classification (06012015). Collection method: clinical testing. Allele origin: germline. Affected: yes.
Comment: This variant is considered likely benign or benign based on one or more of the following criteria: it is a conservative change, it occurs at a poorly conserved position in the protein, it is predicted to be benign by multiple in silico algorithms, and/or has population frequency not consistent with disease.